The following is an entry in ClinVar:

NM_000179.3(MSH6):c.3264del (p.Phe1088_Leu1089insTer)

Gene: MSH6 (mutS homolog 6; plus strand). Cytogenetic location: 2p16.3.
Variant type: Deletion.
Coding change: c.3264del on transcript NM_000179.3 (MANE Select); coding-DNA position 3264, one base deleted (C; older notation c.3264delC).
Protein change: p.Phe1088_Leu1089insTer.
Molecular consequence: frameshift variant. On other transcripts: non-coding transcript variant (5), intron variant (1).
Genome position (GRCh38, 1-based): chr2:47,803,511, C deleted. VCF-style (leftmost placement, unchanged base first): chr2-47803510-TC-T. GRCh37 (hg19) VCF-style: chr2-48030649-TC-T.
Other names: c.2874del, p.Phe958_Leu959insTer (NM_001281492.2); c.2358del, p.Phe786_Leu787insTer (NM_001281493.2, NM_001281494.2, NM_001406811.1 and 6 more transcripts); c.3360del, p.Phe1120_Leu1121insTer (NM_001406795.1, NM_001406802.1); c.3264del, p.Phe1088_Leu1089insTer (NM_001406796.1, NM_001406800.1, NM_001406808.1 and 1 more transcripts); c.2967del, p.Phe989_Leu990insTer (NM_001406797.1, NM_001406801.1, NM_001406805.1 and 10 more transcripts); c.2739del, p.Phe913_Leu914insTer (NM_001406799.1, NM_001406806.1, NM_001406807.1); c.2400del, p.Phe800_Leu801insTer (NM_001406803.1); c.3186del, p.Phe1062_Leu1063insTer (NM_001406804.1); and 7 more.
Identifiers: ClinVar variation 2561269 (VCV002561269.2), dbSNP rs1553331415, ClinGen allele CA916529595.

ClinVar aggregate classification (germline): Pathogenic (1 of 4 stars; one submission).

Conditions:
Hereditary cancer-predisposing syndrome. Also called: Neoplastic Syndromes, Hereditary; Hereditary Cancer Syndrome; Hereditary neoplastic syndrome; Tumor predisposition. Identifiers: Orphanet 140162, MedGen C0027672, MeSH D009386, MONDO:0015356.

Allele frequency attached by ClinVar (database versions not stated): gnomAD exomes below 0.00001.

Submission:

Ambry Genetics
Classification: Pathogenic for Hereditary cancer-predisposing syndrome. Last evaluated: 2023-05-03. Review status: criteria provided, single submitter. Criteria: Ambry Variant Classification Scheme 2023. Collection method: clinical testing. Allele origin: germline.
Comment: The c.3264delC pathogenic mutation, located in coding exon 5 of the MSH6 gene, results from a deletion of one nucleotide at nucleotide position 3264, causing a translational frameshift with a predicted alternate stop codon (p.L1089*). This alteration is expected to result in loss of function by premature protein truncation or nonsense-mediated mRNA decay. As such, this alteration is interpreted as a disease-causing mutation.